The following is an entry in ClinVar:

NM_014014.5(SNRNP200):c.4165G>A (p.Val1389Ile)

Gene: SNRNP200 (small nuclear ribonucleoprotein U5 subunit 200; minus strand). Cytogenetic location: 2q11.2.
Variant type: single nucleotide variant.
Coding change: c.4165G>A on transcript NM_014014.5 (MANE Select); coding-DNA position 4165, G replaced by A.
Protein change: p.Val1389Ile; replaces valine 1389 with isoleucine.
Molecular consequence: missense variant.
Genome position (GRCh38, 1-based): chr2:96,284,585, C>T on the plus strand (G>A on the coding strand, the complement: SNRNP200 is on the minus strand). VCF-style: chr2-96284585-C-T. GRCh37 (hg19) VCF-style: chr2-96950323-C-T.
Other names: short protein forms V1389I.
Identifiers: ClinVar variation 95552 (VCV000095552.46), dbSNP rs143898031, ClinGen allele CA148615.

ClinVar aggregate classification (germline): Benign/Likely benign. Review status: criteria provided, multiple submitters, no conflicts (2 of 4 stars). 9 submissions from 9 submitters: Benign (3); Likely benign (4). 2 of the submissions do not count toward it. Last evaluated 2026-03-01.

Conditions:
Retinitis pigmentosa (RP). Identifiers: Orphanet 791, MedGen C0035334, MeSH D012174, MONDO:0019200, OMIM 268000. Inheritance: Autosomal dominant, autosomal recessive and X linked inheritance.

Allele frequency attached by ClinVar (database versions not stated): gnomAD 0.00328 and 0.00353; gnomAD exomes 0.00547; 1000 Genomes Project 30x 0.00406; ESP Exome Variant Server 0.00384; 1000 Genomes Project 0.00419; TOPMed 0.00456; ExAC 0.00535.
gnomAD v4.1: 7,186 of 1,611,524 alleles (0.45%); highest among the groups gnomAD compares: Middle Eastern, 4.9%; 55 homozygotes.

Submissions (9):

CeGaT Center for Human Genetics Tuebingen
Classification: Likely benign. Last evaluated: 2026-03-01. Review status: criteria provided, single submitter. Criteria: CeGaT Center For Human Genetics Tuebingen Variant Classification Criteria Version 2. Collection method: clinical testing. Allele origin: germline. Affected: yes. Observed: 10 variant alleles.
Comment: SNRNP200: BS2

Labcorp Genetics (formerly Invitae), Labcorp
Classification: Benign. Last evaluated: 2026-01-27. Review status: criteria provided, single submitter. Criteria: Invitae Variant Classification Sherloc (09022015). Collection method: clinical testing. Allele origin: germline.

Blueprint Genetics
Classification: Likely benign. Last evaluated: 2024-11-26. Review status: criteria provided, single submitter. Criteria: ACMG Guidelines, 2015. Collection method: clinical testing. Allele origin: germline.

Mendelics
Classification: Likely benign for Retinitis pigmentosa. Last evaluated: 2019-05-28. Review status: criteria provided, single submitter. Criteria: Mendelics Assertion Criteria 2017. Collection method: clinical testing. Allele origin: unknown.

Illumina Laboratory Services, Illumina
Classification: Benign for Retinitis pigmentosa. Last evaluated: 2018-01-12. Review status: criteria provided, single submitter. Criteria: ICSL Variant Classification Criteria 13 December 2019. Collection method: clinical testing. Allele origin: germline.
Comment: This variant was observed in the ICSL laboratory as part of a predisposition screen in an ostensibly healthy population. It had not been previously curated by ICSL or reported in the Human Gene Mutation Database (HGMD: prior to June 1st, 2018), and was therefore a candidate for classification through an automated scoring system. Utilizing variant allele frequency, disease prevalence and penetrance estimates, and inheritance mode, an automated score was calculated to assess if this variant is too frequent to cause the disease. Based on the score and internal cut-off values, a variant classified as benign is not then subjected to further curation. The score for this variant resulted in a classification of benign for this disease.

Eurofins Ntd Llc (ga)
Classification: Benign. Last evaluated: 2013-08-20. Review status: criteria provided, single submitter. Criteria: EGL Classification Definitions 2015. Collection method: clinical testing. Allele origin: germline. Observed: 1 variant allele, 1 heterozygote.

Breakthrough Genomics
Classification: Likely benign. Review status: criteria provided, single submitter. Criteria: ACMG Guidelines, 2015. Collection method: not provided. Allele origin: germline. Inheritance: Unknown mechanism. Affected: yes.

Clinical Genetics DNA and cytogenetics Diagnostics Lab, Erasmus MC, Erasmus Medical Center
Classification: Likely benign. Review status: no assertion criteria provided. Collection method: clinical testing. Allele origin: germline. Affected: yes. Study: VKGL Data-share Consensus. Not counted in ClinVar's aggregate classification.

Clinical Genetics, Academic Medical Center
Classification: Benign. Review status: no assertion criteria provided. Collection method: clinical testing. Allele origin: germline. Affected: yes. Study: VKGL Data-share Consensus. Not counted in ClinVar's aggregate classification.